The following is an entry in ClinVar:

NM_001083962.2(TCF4):c.577G>A (p.Asp193Asn)

Gene: TCF4 (transcription factor 4; minus strand). Cytogenetic location: 18q21.2.
Variant type: single nucleotide variant.
Coding change: c.577G>A on transcript NM_001083962.2 (MANE Select); coding-DNA position 577, G replaced by A.
Protein change: p.Asp193Asn; replaces aspartic acid 193 with asparagine.
Molecular consequence: missense variant. On other transcripts: 5 prime UTR variant (1).
Genome position (GRCh38, 1-based): chr18:55,279,629, C>T on the plus strand (G>A on the coding strand, the complement: TCF4 is on the minus strand). VCF-style: chr18-55279629-C-T. GRCh37 (hg19) VCF-style: chr18-52946860-C-T.
Other names: c.187G>A, p.Asp63Asn (NM_001243233.2, NM_001330605.3, NM_001348212.2 and 1 more transcripts); c.97G>A, p.Asp33Asn (NM_001243234.2, NM_001243235.2, NM_001243236.2 and 2 more transcripts); c.505G>A, p.Asp169Asn (NM_001306207.1, NM_001348217.1, NM_001348218.2 and 9 more transcripts); c.364G>A, p.Asp122Asn (NM_001306208.1, NM_001243232.1); c.577G>A, p.Asp193Asn (NM_001330604.3, NM_001369567.1, NM_001369568.1 and 4 more transcripts); c.451G>A, p.Asp151Asn (NM_001348211.2, NM_001243231.2); c.-72G>A (NM_001348215.2); c.502G>A, p.Asp168Asn (NM_001348220.1, NM_001369584.1, NM_001369585.1 and 3 more transcripts); and 4 more; short protein forms D122N, D151N, D168N, D169N, D191N, D192N, D193N, D199N.
Identifiers: ClinVar variation 1339584 (VCV001339584.3), dbSNP rs1044163650, ClinGen allele CA301118397.

ClinVar aggregate classification (germline): Uncertain significance. Review status: criteria provided, multiple submitters, no conflicts (2 of 4 stars). 2 submissions from 2 submitters: Uncertain significance (2). Last evaluated 2026-08-13.

Conditions:
Inborn genetic diseases. Identifiers: MedGen C0950123, MeSH D030342.

Allele frequency attached by ClinVar (database versions not stated): gnomAD exomes below 0.00001.
gnomAD v4.1: 4 of 1,613,914 alleles (0.00025%); highest among the groups gnomAD compares: Non-Finnish European, 0.00034%; no homozygotes.

Submissions (2):

Ambry Genetics
Classification: Uncertain significance for Inborn genetic diseases. Last evaluated: 2026-08-13. Review status: criteria provided, single submitter. Criteria: Ambry Variant Classification Scheme 2023. Collection method: clinical testing. Allele origin: germline.

GeneDx
Classification: Uncertain significance. Last evaluated: 2022-02-02. Review status: criteria provided, single submitter. Criteria: GeneDx Variant Classification Process June 2021. Collection method: clinical testing. Allele origin: germline. Affected: yes.
Comment: Not observed at significant frequency in large population cohorts (gnomAD); In silico analysis supports that this missense variant has a deleterious effect on protein structure/function; Has not been previously published as pathogenic or benign to our knowledge